The following is an entry in ClinVar:

ClinVar aggregate classification (germline): Benign/Likely benign. Review status: criteria provided, multiple submitters, no conflicts (2 of 4 stars). 18 submissions from 16 submitters: Benign (10); Likely benign (5). 3 of the submissions do not count toward it. Last evaluated 2026-09-01.

Conditions:
Inborn genetic diseases. Identifiers: MedGen C0950123, MeSH D030342.
Hereditary cancer-predisposing syndrome. Also called: Hereditary neoplastic syndrome; Tumor predisposition; Neoplastic Syndromes, Hereditary; Hereditary Cancer Syndrome. Identifiers: Orphanet 140162, MedGen C0027672, MeSH D009386, MONDO:0015356.
Drash syndrome (DDS). Also called: NEPHROPATHY, WILMS TUMOR, AND GENITAL ANOMALIES; WILMS TUMOR AND PSEUDO- OR TRUE HERMAPHRODITISM. Identifiers: Orphanet 220, MedGen C0950121, MONDO:0008682, OMIM 194080.
Wilms tumor 1 (WT1). Also called: Wilms tumor, somatic. Identifiers: Orphanet 654, MedGen CN033288, MONDO:0008679, OMIM 194070.
11p partial monosomy syndrome (WAGR). Also called: CHROMOSOME 11p13 DELETION SYNDROME; WAGR Spectrum Disorder; WAGR syndrome; WAGR Complex. Identifiers: Orphanet 893, MedGen C0206115, MONDO:0008681, OMIM 194072.
Frasier syndrome. Identifiers: Orphanet 347, MedGen C0950122, MeSH D052159, MONDO:0007635, OMIM 136680.
Nephrotic syndrome, type 4 (NPHS4). Also called: Familial mesangial sclerosis; Nephrotic syndrome, early onset with diffuse mesangial sclerosis. Identifiers: Orphanet 656, MedGen C3151568, MONDO:0009733, OMIM 256370.
Meacham syndrome. Also called: Meacham Winn Culler syndrome. Identifiers: Orphanet 3097, MedGen C1837026, MONDO:0012164, OMIM 608978.

Allele frequency attached by ClinVar (database versions not stated): 1000 Genomes Project 30x 0.00078; gnomAD 0.00188 and 0.00189; TOPMed 0.00198; gnomAD exomes 0.00220 and 0.00305; ExAC 0.00337.

Submissions (18):

CeGaT Center for Human Genetics Tuebingen
Classification: Likely benign. Last evaluated: 2026-09-01. Review status: criteria provided, single submitter. Criteria: CeGaT Center For Human Genetics Tuebingen Variant Classification Criteria Version 2. Collection method: clinical testing. Allele origin: germline. Affected: yes. Observed: 58 variant alleles.
Comment: WT1: BP4, BP7, BS1

Women's Health and Genetics/Laboratory Corporation of America, LabCorp
Classification: Benign. Last evaluated: 2026-06-28. Review status: criteria provided, single submitter. Criteria: LabCorp Variant Classification Summary - May 2015. Collection method: clinical testing. Allele origin: germline.

Labcorp Genetics (formerly Invitae), Labcorp
Classification: Benign for Wilms tumor 1; Drash syndrome; 11p partial monosomy syndrome; Frasier syndrome. Last evaluated: 2026-02-03. Review status: criteria provided, single submitter. Criteria: Invitae Variant Classification Sherloc (09022015). Collection method: clinical testing. Allele origin: germline.

ARUP Laboratories, Molecular Genetics and Genomics, ARUP Laboratories
Classification: Benign. Last evaluated: 2025-01-09. Review status: criteria provided, single submitter. Criteria: ARUP Molecular Germline Variant Investigation Process 2024. Collection method: clinical testing. Allele origin: germline.

Blueprint Genetics
Classification: Benign. Last evaluated: 2024-11-26. Review status: criteria provided, single submitter. Criteria: ACMG Guidelines, 2015. Collection method: clinical testing. Allele origin: germline.

Ambry Genetics
Classification: Likely benign for Inborn genetic diseases. Last evaluated: 2024-08-21. Review status: criteria provided, single submitter. Criteria: Ambry Variant Classification Scheme 2023. Collection method: clinical testing. Allele origin: germline.

Color Diagnostics, LLC DBA Color Health
Classification: Benign for Wilms tumor 1. Last evaluated: 2022-09-20. Review status: criteria provided, single submitter. Criteria: ACMG Guidelines, 2015. Collection method: clinical testing. Allele origin: germline.

GeneDx
Classification: Likely benign. Last evaluated: 2022-02-11. Review status: criteria provided, single submitter. Criteria: GeneDx Variant Classification Process June 2021. Collection method: clinical testing. Allele origin: germline. Affected: yes.
Comment: This variant is associated with the following publications: (PMID: 28873162)

Genetic Services Laboratory, University of Chicago
Classification: Likely benign. Last evaluated: 2021-09-01. Review status: criteria provided, single submitter. Criteria: ACMG Guidelines, 2015. Collection method: clinical testing. Allele origin: germline. Affected: no.

Sema4
Classification: Benign for Hereditary cancer-predisposing syndrome. Last evaluated: 2020-07-15. Review status: criteria provided, single submitter. Criteria: Sema4 Curation Guidelines. Collection method: curation. Allele origin: germline.

Eurofins Ntd Llc (ga)
Classification: Benign. Last evaluated: 2018-02-06. Review status: criteria provided, single submitter. Criteria: EGL Classification Definitions 2015. Collection method: clinical testing. Allele origin: germline. Observed: 2 variant alleles, 2 heterozygotes.

Illumina Laboratory Services, Illumina
Classification: Benign for Meacham syndrome. Last evaluated: 2018-01-13. Review status: criteria provided, single submitter. Criteria: ICSL Variant Classification Criteria 13 December 2019. Collection method: clinical testing. Allele origin: germline.
Comment: This variant was observed in the ICSL laboratory as part of a predisposition screen in an ostensibly healthy population. It had not been previously curated by ICSL or reported in the Human Gene Mutation Database (HGMD: prior to June 1st, 2018), and was therefore a candidate for classification through an automated scoring system. Utilizing variant allele frequency, disease prevalence and penetrance estimates, and inheritance mode, an automated score was calculated to assess if this variant is too frequent to cause the disease. Based on the score and internal cut-off values, a variant classified as benign is not then subjected to further curation. The score for this variant resulted in a classification of benign for this disease.

Illumina Laboratory Services, Illumina
Classification: Benign for Wilms tumor 1. Last evaluated: 2018-01-13. Review status: criteria provided, single submitter. Criteria: ICSL Variant Classification Criteria 13 December 2019. Collection method: clinical testing. Allele origin: germline.
Comment: the same text as in the submission from Illumina Laboratory Services, Illumina above.

Illumina Laboratory Services, Illumina
Classification: Likely benign for Nephrotic syndrome, type 4. Last evaluated: 2018-01-13. Review status: criteria provided, single submitter. Criteria: ICSL Variant Classification Criteria 13 December 2019. Collection method: clinical testing. Allele origin: germline.
Comment: This variant was observed in the ICSL laboratory as part of a predisposition screen in an ostensibly healthy population. It had not been previously curated by ICSL or reported in the Human Gene Mutation Database (HGMD: prior to June 1st, 2018), and was therefore a candidate for classification through an automated scoring system. Utilizing variant allele frequency, disease prevalence and penetrance estimates, and inheritance mode, an automated score was calculated to assess if this variant is too frequent to cause the disease. Based on the score and internal cut-off values, a variant classified as likely benign is not then subjected to further curation. The score for this variant resulted in a classification of likely benign for this disease.

PreventionGenetics, part of Exact Sciences
Classification: Benign. Review status: criteria provided, single submitter. Criteria: ACMG Guidelines, 2015. Collection method: clinical testing. Allele origin: germline.

Clinical Genetics DNA and cytogenetics Diagnostics Lab, Erasmus MC, Erasmus Medical Center
Classification: Likely benign. Review status: no assertion criteria provided. Collection method: clinical testing. Allele origin: germline. Affected: yes. Study: VKGL Data-share Consensus. Not counted in ClinVar's aggregate classification.

Diagnostic Laboratory, Department of Genetics, University Medical Center Groningen
Classification: Likely benign. Review status: no assertion criteria provided. Collection method: clinical testing. Allele origin: germline. Affected: yes. Study: VKGL Data-share Consensus. Not counted in ClinVar's aggregate classification.

Genome Diagnostics Laboratory, University Medical Center Utrecht
Classification: Likely benign. Review status: no assertion criteria provided. Collection method: clinical testing. Allele origin: germline. Affected: yes. Study: VKGL Data-share Consensus. Not counted in ClinVar's aggregate classification.

NM_024426.6(WT1):c.123G>C (p.Pro41=)

Genes: WT1 (WT1 transcription factor; minus strand), LOC107982234 (WT1/WT1-AS bi-directional promoter region; plus strand). Cytogenetic location: 11p13.
Variant type: single nucleotide variant.
Coding change: c.123G>C on transcript NM_024426.6 (MANE Select); coding-DNA position 123, G replaced by C.
Protein change: p.Pro41=; no amino-acid change (proline 41 retained).
Molecular consequence: synonymous variant. On other transcripts: non-coding transcript variant (1).
Genome position (GRCh38, 1-based): chr11:32,435,238, C>G on the plus strand (G>C on the coding strand, the complement: WT1 is on the minus strand). VCF-style: chr11-32435238-C-G. GRCh37 (hg19) VCF-style: chr11-32456784-C-G.
Other names: c.123G>C, p.Pro41= (NM_000378.6, NM_024424.5).
Identifiers: ClinVar variation 193453 (VCV000193453.82), dbSNP rs555140661, ClinGen allele CA017368.